The following is an entry in ClinVar:

ClinVar aggregate classification (germline): Likely pathogenic (1 of 4 stars; one submission).

Conditions:
Multiple congenital anomalies-hypotonia-seizures syndrome 1 (MCAHS1). Also called: GLYCOSYLPHOSPHATIDYLINOSITOL BIOSYNTHESIS DEFECT 3; PIGN-CDG; Congenital disorder of glycosylation due to PIGN deficiency. Identifiers: Orphanet 280633, MedGen C3279775, MONDO:0013563, OMIM 614080.

Submission:

Labcorp Genetics (formerly Invitae), Labcorp
Classification: Likely pathogenic for Multiple congenital anomalies-hypotonia-seizures syndrome 1. Last evaluated: 2023-02-01. Review status: criteria provided, single submitter. Criteria: Invitae Variant Classification Sherloc (09022015). Collection method: clinical testing. Allele origin: germline.
Comment: This sequence change affects a donor splice site in intron 10 of the PIGN gene. It is expected to disrupt RNA splicing. Variants that disrupt the donor or acceptor splice site typically lead to a loss of protein function (PMID: 16199547), and loss-of-function variants in PIGN are known to be pathogenic (PMID: 24253414, 27038415). This variant is not present in population databases (gnomAD no frequency). This variant has not been reported in the literature in individuals affected with PIGN-related conditions. Algorithms developed to predict the effect of sequence changes on RNA splicing suggest that this variant may disrupt the consensus splice site. In summary, the currently available evidence indicates that the variant is pathogenic, but additional data are needed to prove that conclusively. Therefore, this variant has been classified as Likely Pathogenic.

Literature cited by the submitters: PubMed 16199547; PubMed 24253414; PubMed 27038415.

NM_176787.5(PIGN):c.922+2T>C

Gene: PIGN (phosphatidylinositol glycan anchor biosynthesis class N; minus strand). Cytogenetic location: 18q21.33.
Variant type: single nucleotide variant.
Coding change: c.922+2T>C on transcript NM_176787.5 (MANE Select); the canonical splice donor site of the intron after coding-DNA position 922, T replaced by C.
Molecular consequence: splice donor variant.
Genome position (GRCh38, 1-based): chr18:62,145,907, A>G on the plus strand (T>C on the coding strand, the complement: PIGN is on the minus strand). VCF-style: chr18-62145907-A-G. GRCh37 (hg19) VCF-style: chr18-59813140-A-G.
Other names: c.922+2T>C (NM_012327.6).
Identifiers: ClinVar variation 2833487 (VCV002833487.3), dbSNP rs2513914636, ClinGen allele CA402600895.
Genomic context (GRCh38, chr18:62,145,907, plus strand): 5'-ATTTAAACTTTGTTCTTATTTTAAGAGGTTGTATTTATAAACCAGTAAAGAAATGCTTGT[A>G]CCTTTCAAAAATGCATCATCAAATTGCTGAGCTGATACTCTTTGGGGATACTTGATTCCA-3'